The following is an entry in ClinVar:

NM_004064.5(CDKN1B):c.236T>G (p.Val79Gly)

Gene: CDKN1B (cyclin dependent kinase inhibitor 1B; plus strand). Cytogenetic location: 12p13.1.
Variant type: single nucleotide variant.
Coding change: c.236T>G on transcript NM_004064.5 (MANE Select); coding-DNA position 236, T replaced by G.
Protein change: p.Val79Gly; replaces valine 79 with glycine.
Molecular consequence: missense variant.
Genome position (GRCh38, 1-based): chr12:12,718,075, T>G. VCF-style: chr12-12718075-T-G. GRCh37 (hg19) VCF-style: chr12-12871009-T-G.
Other names: c.236T>G (NM_004064.3); short protein forms V79G.
Identifiers: ClinVar variation 843702 (VCV000843702.10), dbSNP rs1196963330, ClinGen allele CA383969721.

ClinVar aggregate classification (germline): Uncertain significance. Review status: criteria provided, multiple submitters, no conflicts (2 of 4 stars). 2 submissions from 2 submitters: Uncertain significance (2). Last evaluated 2024-08-08.

Conditions:
Hereditary cancer-predisposing syndrome. Also called: Neoplastic Syndromes, Hereditary; Hereditary neoplastic syndrome; Tumor predisposition; Hereditary Cancer Syndrome. Identifiers: Orphanet 140162, MedGen C0027672, MeSH D009386, MONDO:0015356.
Multiple endocrine neoplasia type 4. Also called: MULTIPLE ENDOCRINE NEOPLASIA, TYPE IV. Identifiers: Orphanet 276152, MedGen C1970712, MONDO:0012552, OMIM 610755.

Allele frequency attached by ClinVar (database versions not stated): gnomAD exomes below 0.00001.
gnomAD v4.1: 2 of 1,613,936 alleles (0.00012%); no homozygotes.

Submissions (2):

Ambry Genetics
Classification: Uncertain significance for Hereditary cancer-predisposing syndrome. Last evaluated: 2024-08-08. Review status: criteria provided, single submitter. Criteria: Ambry Variant Classification Scheme 2023. Collection method: clinical testing. Allele origin: germline.
Comment: The p.V79G variant (also known as c.236T>G), located in coding exon 1 of the CDKN1B gene, results from a T to G substitution at nucleotide position 236. The valine at codon 79 is replaced by glycine, an amino acid with dissimilar properties. This amino acid position is not well conserved in available vertebrate species. In addition, this alteration is predicted to be deleterious by in silico analysis. Based on the available evidence, the clinical significance of this variant remains unclear.

Labcorp Genetics (formerly Invitae), Labcorp
Classification: Uncertain significance for Multiple endocrine neoplasia type 4. Last evaluated: 2020-11-14. Review status: criteria provided, single submitter. Criteria: Invitae Variant Classification Sherloc (09022015). Collection method: clinical testing. Allele origin: germline.
Comment: In summary, the available evidence is currently insufficient to determine the role of this variant in disease. Therefore, it has been classified as a Variant of Uncertain Significance. Algorithms developed to predict the effect of missense changes on protein structure and function are either unavailable or do not agree on the potential impact of this missense change (SIFT: "Deleterious"; PolyPhen-2: "Benign"; Align-GVGD: "Class C65"). This variant has not been reported in the literature in individuals with CDKN1B-related conditions. This variant is not present in population databases (ExAC no frequency). This sequence change replaces valine with glycine at codon 79 of the CDKN1B protein (p.Val79Gly). The valine residue is highly conserved and there is a moderate physicochemical difference between valine and glycine.